The following is an entry in ClinVar:

NM_000179.3(MSH6):c.3967T>C (p.Phe1323Leu)

Gene: MSH6 (mutS homolog 6; plus strand). Cytogenetic location: 2p16.3.
Variant type: single nucleotide variant.
Coding change: c.3967T>C on transcript NM_000179.3 (MANE Select); coding-DNA position 3967, T replaced by C.
Protein change: p.Phe1323Leu; replaces phenylalanine 1323 with leucine.
Molecular consequence: missense variant.
Genome position (GRCh38, 1-based): chr2:47,806,617, T>C. VCF-style: chr2-47806617-T-C. GRCh37 (hg19) VCF-style: chr2-48033756-T-C.
Other names: c.3577T>C, p.Phe1193Leu (NM_001281492.2); c.3061T>C, p.Phe1021Leu (NM_001281493.2, NM_001281494.2); short protein forms F1193L, F1323L, F1021L.
Identifiers: ClinVar variation 824438 (VCV000824438.4), dbSNP rs1572747817, ClinGen allele CA346761554.

ClinVar aggregate classification (germline): Uncertain significance (1 of 4 stars; one submission).

Conditions:
Hereditary cancer-predisposing syndrome. Also called: Neoplastic Syndromes, Hereditary; Tumor predisposition; Hereditary neoplastic syndrome; Hereditary Cancer Syndrome. Identifiers: Orphanet 140162, MedGen C0027672, MeSH D009386, MONDO:0015356.

Submission:

Ambry Genetics
Classification: Uncertain significance for Hereditary cancer-predisposing syndrome. Last evaluated: 2019-10-21. Review status: criteria provided, single submitter. Criteria: Ambry Variant Classification Scheme 2023. Collection method: clinical testing. Allele origin: germline.
Comment: The p.F1323L variant (also known as c.3967T>C), located in coding exon 9 of the MSH6 gene, results from a T to C substitution at nucleotide position 3967. The phenylalanine at codon 1323 is replaced by leucine, an amino acid with highly similar properties. This amino acid position is highly conserved in available vertebrate species. In addition, the in silico prediction for this alteration is inconclusive. Since supporting evidence is limited at this time, the clinical significance of this alteration remains unclear.